The following is an entry in ClinVar:

NM_001127208.3(TET2):c.3913_3930del (p.Ile1305_Lys1310del)

Genes: TET2 (tet methylcytosine dioxygenase 2; plus strand), TET2-AS1 (TET2 antisense RNA 1; minus strand). Cytogenetic location: 4q24.
Variant type: Deletion.
Coding change: c.3913_3930del on transcript NM_001127208.3 (MANE Select); coding-DNA positions 3913 to 3930, 18 bases deleted (ATCCCAAGGAAGTTTAAG).
Protein change: p.Ile1305_Lys1310del.
Genome position (GRCh38, 1-based): chr4:105,259,728-105,259,745, ATCCCAAGGAAGTTTAAG deleted; deleting any 18 consecutive bases within chr4:105,259,725-105,259,745 gives the same sequence; the c. name uses the placement nearest the transcript's 3' end. VCF-style (leftmost placement, unchanged base first): chr4-105259724-CAAGATCCCAAGGAAGTTT-C. GRCh37 (hg19) VCF-style: chr4-106180881-CAAGATCCCAAGGAAGTTT-C.
Identifiers: ClinVar variation 3725858 (VCV003725858.2).

ClinVar aggregate classification (germline): Uncertain significance (1 of 4 stars; one submission).

Submission:

Labcorp Genetics (formerly Invitae), Labcorp
Classification: Uncertain significance. Last evaluated: 2024-11-22. Review status: criteria provided, single submitter. Criteria: Invitae Variant Classification Sherloc (09022015). Collection method: clinical testing. Allele origin: germline.
Comment: This variant, c.3913_3930del, results in the deletion of 6 amino acid(s) of the TET2 protein (p.Ile1305_Lys1310del), but otherwise preserves the integrity of the reading frame. This variant is not present in population databases (gnomAD no frequency). This variant has not been reported in the literature in individuals affected with TET2-related conditions. Experimental studies and prediction algorithms are not available or were not evaluated, and the functional significance of this variant is currently unknown. In summary, the available evidence is currently insufficient to determine the role of this variant in disease. Therefore, it has been classified as a Variant of Uncertain Significance.